The following is an entry in ClinVar:

ClinVar aggregate classification (germline): Uncertain significance (1 of 4 stars; one submission).

Allele frequency attached by ClinVar (database versions not stated): gnomAD exomes below 0.00001; ExAC 0.00001.
gnomAD v4.1: 1 of 1,614,168 alleles (0.000062%); highest among the groups gnomAD compares: East Asian, 0.0022%; no homozygotes.

Submission:

Labcorp Genetics (formerly Invitae), Labcorp
Classification: Uncertain significance. Last evaluated: 2021-12-24. Review status: criteria provided, single submitter. Criteria: Invitae Variant Classification Sherloc (09022015). Collection method: clinical testing. Allele origin: germline.
Comment: This variant has not been reported in the literature in individuals affected with CLCN6-related conditions. Algorithms developed to predict the effect of missense changes on protein structure and function are either unavailable or do not agree on the potential impact of this missense change (SIFT: "Tolerated"; PolyPhen-2: "Possibly Damaging"; Align-GVGD: "Class C0"). In summary, the available evidence is currently insufficient to determine the role of this variant in disease. Therefore, it has been classified as a Variant of Uncertain Significance. This variant is present in population databases (rs747422495, gnomAD 0.006%). This sequence change replaces aspartic acid, which is acidic and polar, with glutamic acid, which is acidic and polar, at codon 786 of the CLCN6 protein (p.Asp786Glu).

NM_001286.5(CLCN6):c.2358C>A (p.Asp786Glu)

Gene: CLCN6 (chloride voltage-gated channel 6; plus strand). Cytogenetic location: 1p36.22.
Variant type: single nucleotide variant.
Coding change: c.2358C>A on transcript NM_001286.5 (MANE Select); coding-DNA position 2358, C replaced by A.
Protein change: p.Asp786Glu; replaces aspartic acid 786 with glutamic acid.
Molecular consequence: missense variant. On other transcripts: non-coding transcript variant (1).
Genome position (GRCh38, 1-based): chr1:11,838,397, C>A. VCF-style: chr1-11838397-C-A. GRCh37 (hg19) VCF-style: chr1-11898454-C-A.
Other names: c.2292C>A, p.Asp764Glu (NM_001256959.2); short protein forms D786E, D764E.
Identifiers: ClinVar variation 1961521 (VCV001961521.5), dbSNP rs747422495, ClinGen allele CA596815.